The following is an entry in ClinVar:

ClinVar aggregate classification (germline): Conflicting classifications of pathogenicity. Review status: criteria provided, conflicting classifications (1 of 4 stars). 5 submissions from 5 submitters: Uncertain significance (4); Likely benign (1). Last evaluated 2026-01-20.

Conditions:
TCAP-related disorder. Also called: TCAP-related condition.
Hypertrophic cardiomyopathy 25 (CMH25). Also called: CARDIOMYOPATHY, FAMILIAL HYPERTROPHIC, 25. Identifiers: MedGen C4225408, MONDO:0011843, OMIM 607487.
Primary familial hypertrophic cardiomyopathy (HCM). Identifiers: Orphanet 99739, MedGen C0949658, MeSH D024741, MONDO:0024573. Inheritance: Various modes of inheritance.
Primary dilated cardiomyopathy (DCM). Also called: Dilated Cardiomyopathy. Identifiers: Orphanet 217604, MedGen C0007193, MeSH D002311, MONDO:0005021, HP:0001644. Inheritance: Various modes of inheritance.

Allele frequency attached by ClinVar (database versions not stated): gnomAD exomes 0.00001 and 0.00004; TOPMed 0.00001; gnomAD 0.00002; ExAC 0.00003.

Submissions (5):

PreventionGenetics, part of Exact Sciences
Classification: Uncertain significance for TCAP-related condition. Last evaluated: 2026-01-20. Review status: criteria provided, single submitter. Criteria: ACMG Guidelines, 2015. Collection method: clinical testing. Allele origin: germline.
Comment: The TCAP c.259C>T variant is predicted to result in the amino acid substitution p.Arg87Trp. To our knowledge, this variant has not been reported in the literature. This variant is reported in 0.020% of alleles in individuals of Ashkenazi Jewish descent in gnomAD. At this time, the clinical significance of this variant is uncertain due to the absence of conclusive functional and genetic evidence.

Labcorp Genetics (formerly Invitae), Labcorp
Classification: Uncertain significance for Hypertrophic cardiomyopathy 25; Primary familial hypertrophic cardiomyopathy. Last evaluated: 2025-12-03. Review status: criteria provided, single submitter. Criteria: Invitae Variant Classification Sherloc (09022015). Collection method: clinical testing. Allele origin: germline.
Comment: This sequence change replaces arginine, which is basic and polar, with tryptophan, which is neutral and slightly polar, at codon 87 of the TCAP protein (p.Arg87Trp). This variant is present in population databases (rs777518512, gnomAD 0.02%). This variant has not been reported in the literature in individuals affected with TCAP-related conditions. ClinVar contains an entry for this variant (Variation ID: 202102). An algorithm developed to predict the effect of missense changes on protein structure and function (PolyPhen-2) suggests that this variant is likely to be disruptive. In summary, the available evidence is currently insufficient to determine the role of this variant in disease. Therefore, it has been classified as a Variant of Uncertain Significance.

Revvity Omics, Revvity
Classification: Uncertain significance. Last evaluated: 2024-12-10. Review status: criteria provided, single submitter. Criteria: ACMG Guidelines, 2015. Collection method: clinical testing. Allele origin: germline.

Blueprint Genetics
Classification: Uncertain significance. Last evaluated: 2022-10-21. Review status: criteria provided, single submitter. Criteria: ACMG Guidelines, 2015. Collection method: clinical testing. Allele origin: germline.

Center for Human Genetics, University of Leuven
Classification: Likely benign for Primary dilated cardiomyopathy. Last evaluated: 2017-04-30. Review status: criteria provided, single submitter. Criteria: ACMG Guidelines, 2015. Collection method: clinical testing. Allele origin: germline. Inheritance: Autosomal dominant inheritance. Affected: yes. Observed: 4 variant alleles.

NM_003673.4(TCAP):c.259C>T (p.Arg87Trp)

Gene: TCAP (titin-cap; plus strand). Cytogenetic location: 17q12.
Variant type: single nucleotide variant.
Coding change: c.259C>T on transcript NM_003673.4 (MANE Select); coding-DNA position 259, C replaced by T.
Protein change: p.Arg87Trp; replaces arginine 87 with tryptophan.
Molecular consequence: missense variant.
Genome position (GRCh38, 1-based): chr17:39,665,864, C>T. VCF-style: chr17-39665864-C-T. GRCh37 (hg19) VCF-style: chr17-37822117-C-T.
Other names: short protein forms R87W.
Identifiers: ClinVar variation 202102 (VCV000202102.14), dbSNP rs777518512, ClinGen allele CA308817.